The following is an entry in ClinVar:

NM_002691.4(POLD1):c.862G>A (p.Ala288Thr)

Gene: POLD1 (DNA polymerase delta 1, catalytic subunit; plus strand). Cytogenetic location: 19q13.33.
Variant type: single nucleotide variant.
Coding change: c.862G>A on transcript NM_002691.4 (MANE Select); coding-DNA position 862, G replaced by A.
Protein change: p.Ala288Thr; replaces alanine 288 with threonine.
Molecular consequence: missense variant. On other transcripts: non-coding transcript variant (1).
Genome position (GRCh38, 1-based): chr19:50,402,633, G>A. VCF-style: chr19-50402633-G-A. GRCh37 (hg19) VCF-style: chr19-50905890-G-A.
Other names: c.862G>A, p.Ala288Thr (NM_001256849.1, NM_001308632.1); short protein forms A288T.
Identifiers: ClinVar variation 408114 (VCV000408114.14), dbSNP rs1060501857, ClinGen allele CA16616365.

ClinVar aggregate classification (germline): Conflicting classifications of pathogenicity. Review status: criteria provided, conflicting classifications (1 of 4 stars). 3 submissions from 3 submitters: Uncertain significance (2); Likely benign (1). Last evaluated 2026-04-27.

Conditions:
Hereditary cancer-predisposing syndrome. Also called: Neoplastic Syndromes, Hereditary; Hereditary neoplastic syndrome; Hereditary Cancer Syndrome; Tumor predisposition. Identifiers: Orphanet 140162, MedGen C0027672, MeSH D009386, MONDO:0015356.
POLD1-related disorder. Also called: POLD1-related disorders; POLD1-related condition.
POLD1-related polyposis and colorectal cancer syndrome (CRCS10). Also called: Colorectal cancer, susceptibility to, 10; Colorectal cancer 10; COLORECTAL CANCER, SUSCEPTIBILITY TO, ON CHROMOSOME 19q. Identifiers: Orphanet 220460, MedGen C2675481, MONDO:0012953, OMIM 612591.

Allele frequency attached by ClinVar (database versions not stated): gnomAD exomes 0.00001; gnomAD 0.00002; TOPMed 0.00002.
gnomAD v4.1: 22 of 1,577,152 alleles (0.0014%); highest among the groups gnomAD compares: Non-Finnish European, 0.0017%; no homozygotes.

Submissions (3):

PreventionGenetics, part of Exact Sciences
Classification: Uncertain significance for POLD1-related condition. Last evaluated: 2026-04-27. Review status: criteria provided, single submitter. Criteria: ACMG Guidelines, 2015. Collection method: clinical testing. Allele origin: germline.
Comment: The POLD1 c.862G>A variant is predicted to result in the amino acid substitution p.Ala288Thr. To our knowledge, this variant has not been reported in the literature. This variant is reported in 0.0012% of alleles in individuals of European (Non-Finnish) descent in gnomAD. This variant has conflicting interpretations in ClinVar ranging from likely benign to uncertain significance (Variation ID: 408114). At this time, the clinical significance of this variant is uncertain due to the absence of conclusive functional and genetic evidence.

Labcorp Genetics (formerly Invitae), Labcorp
Classification: Uncertain significance for POLD1-related polyposis and colorectal cancer syndrome. Last evaluated: 2026-02-01. Review status: criteria provided, single submitter. Criteria: Invitae Variant Classification Sherloc (09022015). Collection method: clinical testing. Allele origin: germline.
Comment: This sequence change replaces alanine, which is neutral and non-polar, with threonine, which is neutral and polar, at codon 288 of the POLD1 protein (p.Ala288Thr). This variant is present in population databases (no rsID available, gnomAD 0.001%). This variant has not been reported in the literature in individuals affected with POLD1-related conditions. ClinVar contains an entry for this variant (Variation ID: 408114). Invitae Evidence Modeling of protein sequence and biophysical properties (such as structural, functional, and spatial information, amino acid conservation, physicochemical variation, residue mobility, and thermodynamic stability) indicates that this missense variant is not expected to disrupt POLD1 protein function with a negative predictive value of 80%. In summary, the available evidence is currently insufficient to determine the role of this variant in disease. Therefore, it has been classified as a Variant of Uncertain Significance.

Ambry Genetics
Classification: Likely benign for Hereditary cancer-predisposing syndrome. Last evaluated: 2024-03-13. Review status: criteria provided, single submitter. Criteria: Ambry Variant Classification Scheme 2023. Collection method: clinical testing. Allele origin: germline.